The following is an entry in ClinVar:

NM_001004334.4(GPR179):c.5141G>A (p.Gly1714Glu)

Gene: GPR179 (G protein-coupled receptor 179; minus strand). Cytogenetic location: 17q12.
Variant type: single nucleotide variant.
Coding change: c.5141G>A on transcript NM_001004334.4 (MANE Select); coding-DNA position 5141, G replaced by A.
Protein change: p.Gly1714Glu; replaces glycine 1714 with glutamic acid.
Molecular consequence: missense variant.
Genome position (GRCh38, 1-based): chr17:38,328,428, C>T on the plus strand (G>A on the coding strand, the complement: GPR179 is on the minus strand). VCF-style: chr17-38328428-C-T. GRCh37 (hg19) VCF-style: chr17-36484311-C-T.
Other names: c.5141G>A (NM_001004334.2); short protein forms G1714E.
Identifiers: ClinVar variation 1492265 (VCV001492265.9), dbSNP rs1330978695, ClinGen allele CA398873276.
Genomic context (GRCh38, chr17:38,328,428, plus strand): 5'-ACCTTGCCTGTATCATTTGGAGATTTCCTAATGGCCTCAGCTCCCAAAGCCCTTTCCTCC[C>T]CTGCTCCAGCACCCACCTCCCAGGGACAGATTTCTGCCTTCCCAGCAGTCAAGTTTTCCT-3'
Protein context (NP_001004334.3, residues 1704-1724): ICPWEVGAGA[Gly1714Glu]EERALGAEAI

ClinVar aggregate classification (germline): Uncertain significance. Review status: criteria provided, multiple submitters, no conflicts (2 of 4 stars). 2 submissions from 2 submitters: Uncertain significance (2). Last evaluated 2024-07-02.

Conditions:
Inborn genetic diseases. Identifiers: MedGen C0950123, MeSH D030342.

Allele frequency attached by ClinVar (database versions not stated): gnomAD 0.00001; gnomAD exomes 0.00001 and 0.00002; TOPMed 0.00001.

Submissions (2):

Ambry Genetics
Classification: Uncertain significance for Inborn genetic diseases. Last evaluated: 2024-07-02. Review status: criteria provided, single submitter. Criteria: Ambry Variant Classification Scheme 2023. Collection method: clinical testing. Allele origin: germline.

Labcorp Genetics (formerly Invitae), Labcorp
Classification: Uncertain significance. Last evaluated: 2022-08-09. Review status: criteria provided, single submitter. Criteria: Invitae Variant Classification Sherloc (09022015). Collection method: clinical testing. Allele origin: germline.
Comment: In summary, the available evidence is currently insufficient to determine the role of this variant in disease. Therefore, it has been classified as a Variant of Uncertain Significance. Algorithms developed to predict the effect of missense changes on protein structure and function are either unavailable or do not agree on the potential impact of this missense change (SIFT: "Tolerated"; PolyPhen-2: "Possibly Damaging"; Align-GVGD: "Class C0"). ClinVar contains an entry for this variant (Variation ID: 1492265). This variant has not been reported in the literature in individuals affected with GPR179-related conditions. This variant is present in population databases (no rsID available, gnomAD 0.006%). This sequence change replaces glycine, which is neutral and non-polar, with glutamic acid, which is acidic and polar, at codon 1714 of the GPR179 protein (p.Gly1714Glu).